The following is an entry in ClinVar:

NM_014727.3(KMT2B):c.2017G>T (p.Ala673Ser)

Gene: KMT2B (lysine methyltransferase 2B; plus strand). Cytogenetic location: 19q13.12.
Variant type: single nucleotide variant.
Coding change: c.2017G>T on transcript NM_014727.3 (MANE Select); coding-DNA position 2017, G replaced by T.
Protein change: p.Ala673Ser; replaces alanine 673 with serine.
Molecular consequence: missense variant.
Genome position (GRCh38, 1-based): chr19:35,721,364, G>T. VCF-style: chr19-35721364-G-T. GRCh37 (hg19) VCF-style: chr19-36212266-G-T.
Other names: short protein forms A673S.
Identifiers: ClinVar variation 1709896 (VCV001709896.2), dbSNP rs1269531418, ClinGen allele CA405395276.
Genomic context (GRCh38, chr19:35,721,364, plus strand): 5'-ACCCCAAGCGAAGCCCACCTGAAGATCTACGAATCGGTGCTTACTCCTCCTCCTCTTGGG[G>T]CTCCTGAAGCCCCTGAGCCAGAGCCTCCTCCTGCCGATGACTCTCCAGCTGAGCCTGAGC-3'
Protein context (NP_055542.1, residues 663-683): ESVLTPPPLG[Ala673Ser]PEAPEPEPPP

ClinVar aggregate classification (germline): Uncertain significance (1 of 4 stars; one submission).

Conditions:
Dystonia 28, childhood-onset (DYT28). Also called: KMT2B-Related Dystonia (DYT-KMT2B). Identifiers: Orphanet 589618, MedGen C4310633, MONDO:0015004, OMIM 617284.

Submission:

MGZ Medical Genetics Center
Classification: Uncertain significance for Dystonia 28, childhood-onset. Last evaluated: 2021-08-13. Review status: criteria provided, single submitter. Criteria: ACMG Guidelines, 2015. Collection method: clinical testing. Allele origin: germline. Affected: yes. Observed: 1 variant allele.
Comment: ACMG criteria applied: PM2_SUP, PP2